The following is an entry in ClinVar:

ClinVar aggregate classification (germline): Conflicting classifications of pathogenicity. Review status: criteria provided, conflicting classifications (1 of 4 stars). 6 submissions from 6 submitters: Uncertain significance (5); Likely benign (1). Last evaluated 2025-11-18.

Conditions:
Classic or attenuated familial adenomatous polyposis. Identifiers: MedGen CN372698, MONDO:0021057.
Hereditary cancer-predisposing syndrome. Also called: Tumor predisposition; Hereditary neoplastic syndrome; Hereditary Cancer Syndrome; Neoplastic Syndromes, Hereditary. Identifiers: Orphanet 140162, MedGen C0027672, MeSH D009386, MONDO:0015356.
Familial adenomatous polyposis 1 (FAP1). Also called: POLYPOSIS, ADENOMATOUS INTESTINAL; FAMILIAL ADENOMATOUS POLYPOSIS 1, ATTENUATED. Identifiers: MedGen C2713442, MONDO:0021056, OMIM 175100. Disease mechanism: loss of function.

Allele frequency attached by ClinVar (database versions not stated): gnomAD exomes below 0.00001; gnomAD 0.00001; TOPMed 0.00002.
gnomAD v4.1: 3 of 1,613,958 alleles (0.00019%); highest among the groups gnomAD compares: Admixed American, 0.005%; no homozygotes.

Submissions (6):

Labcorp Genetics (formerly Invitae), Labcorp
Classification: Uncertain significance for Familial adenomatous polyposis 1. Last evaluated: 2025-11-18. Review status: criteria provided, single submitter. Criteria: Invitae Variant Classification Sherloc (09022015). Collection method: clinical testing. Allele origin: germline.
Comment: This sequence change replaces glutamic acid, which is acidic and polar, with lysine, which is basic and polar, at codon 1451 of the APC protein (p.Glu1451Lys). This variant is not present in population databases (gnomAD no frequency). This variant has not been reported in the literature in individuals affected with APC-related conditions. ClinVar contains an entry for this variant (Variation ID: 576571). Invitae Evidence Modeling of protein sequence and biophysical properties (such as structural, functional, and spatial information, amino acid conservation, physicochemical variation, residue mobility, and thermodynamic stability) indicates that this missense variant is not expected to disrupt APC protein function with a negative predictive value of 95%. In summary, the available evidence is currently insufficient to determine the role of this variant in disease. Therefore, it has been classified as a Variant of Uncertain Significance.

Quest Diagnostics Nichols Institute San Juan Capistrano
Classification: Uncertain significance. Last evaluated: 2025-11-06. Review status: criteria provided, single submitter. Criteria: Quest Diagnostics criteria. Collection method: clinical testing. Allele origin: unknown.
Comment: The APC c.4351G>A (p.Glu1451Lys) variant has not been reported in individuals with APC-related conditions in the published literature. The frequency of this variant in the general population (Genome Aggregation Database) is uninformative in the assessment of its pathogenicity. Analysis of this variant using bioinformatics tools for the prediction of the effect of amino acid changes on protein structure and function yielded predictions that this variant is benign. Based on the available information, we are unable to determine the clinical significance of this variant.

Ambry Genetics
Classification: Likely benign for Hereditary cancer-predisposing syndrome. Last evaluated: 2025-03-26. Review status: criteria provided, single submitter. Criteria: Ambry Variant Classification Scheme 2023. Collection method: clinical testing. Allele origin: germline.

All of Us Research Program, National Institutes of Health
Classification: Uncertain significance for Classic or attenuated familial adenomatous polyposis. Last evaluated: 2023-11-30. Review status: criteria provided, single submitter. Criteria: ACMG Guidelines, 2015. Collection method: clinical testing. Allele origin: germline. Inheritance: Autosomal dominant inheritance. Observed: 1 variant allele, 1 heterozygote.
Comment: This study involves interpretation of variants in research participants for the purpose of population health screening. Participant phenotype was not available at the time of variant classification. Additional details can be found in publication PMID: 35346344, PMCID: PMC8962531

Color Diagnostics, LLC DBA Color Health
Classification: Uncertain significance for Hereditary cancer-predisposing syndrome. Last evaluated: 2023-01-30. Review status: criteria provided, single submitter. Criteria: ACMG Guidelines, 2015. Collection method: clinical testing. Allele origin: germline.
Comment: This missense variant replaces glutamic acid with lysine at codon 1451 of the APC protein. Computational prediction suggests that this variant may not impact protein structure and function (internally defined REVEL score threshold <= 0.5, PMID: 27666373). To our knowledge, functional studies have not been reported for this variant. This variant has not been reported in individuals affected with APC-related disorders in the literature. This variant has been identified in 1/251228 chromosomes in the general population by the Genome Aggregation Database (gnomAD). The available evidence is insufficient to determine the role of this variant in disease conclusively. Therefore, this variant is classified as a Variant of Uncertain Significance.

GeneDx
Classification: Uncertain significance. Last evaluated: 2018-12-31. Review status: criteria provided, single submitter. Criteria: GeneDx Variant Classification Process June 2021. Collection method: clinical testing. Allele origin: germline. Affected: yes.
Comment: Not observed in large population cohorts (Lek 2016); In silico analysis supports that this missense variant does not alter protein structure/function; Has not been previously published as pathogenic or benign to our knowledge; This variant is associated with the following publications: (PMID: 29535804)

NM_000038.6(APC):c.4351G>A (p.Glu1451Lys)

Gene: APC (APC regulator of Wnt signaling pathway; plus strand). Cytogenetic location: 5q22.2.
Variant type: single nucleotide variant.
Coding change: c.4351G>A on transcript NM_000038.6 (MANE Select); coding-DNA position 4351, G replaced by A.
Protein change: p.Glu1451Lys; replaces glutamic acid 1451 with lysine.
Molecular consequence: missense variant.
Genome position (GRCh38, 1-based): chr5:112,839,945, G>A. VCF-style: chr5-112839945-G-A. GRCh37 (hg19) VCF-style: chr5-112175642-G-A.
Other names: c.4297G>A, p.Glu1433Lys (NM_001127511.3); c.4405G>A, p.Glu1469Lys (NM_001354896.2); c.4351G>A, p.Glu1451Lys (NM_001127510.3, NM_001354895.2); c.4381G>A, p.Glu1461Lys (NM_001354897.2); c.4276G>A, p.Glu1426Lys (NM_001354898.2); c.4267G>A, p.Glu1423Lys (NM_001354899.2); c.4228G>A, p.Glu1410Lys (NM_001354900.2); c.4174G>A, p.Glu1392Lys (NM_001354901.2); and 5 more; short protein forms E1433K, E1451K, E1410K, E1423K, E1350K, E1360K, E1461K, E1469K.
Identifiers: ClinVar variation 576571 (VCV000576571.23), dbSNP rs1325458165, ClinGen allele CA16030859.